The following is an entry in ClinVar:

ClinVar aggregate classification (germline): Uncertain significance (1 of 4 stars; one submission).

Submission:

Ambry Genetics
Classification: Uncertain significance. Last evaluated: 2023-07-27. Review status: criteria provided, single submitter. Criteria: Ambry Variant Classification Scheme 2023. Collection method: clinical testing. Allele origin: germline.
Comment: The p.D217E variant (also known as c.651T>A), located in coding exon 6 of the NQO1 gene, results from a T to A substitution at nucleotide position 651. The aspartic acid at codon 217 is replaced by glutamic acid, an amino acid with highly similar properties. This amino acid position is conserved. In addition, this alteration is predicted to be tolerated by in silico analysis. Since supporting evidence is limited at this time, the clinical significance of this alteration remains unclear.

NM_000903.3(NQO1):c.651T>A (p.Asp217Glu)

Gene: NQO1 (NAD(P)H quinone dehydrogenase 1; minus strand). Cytogenetic location: 16q22.1.
Variant type: single nucleotide variant.
Coding change: c.651T>A on transcript NM_000903.3 (MANE Select); coding-DNA position 651, T replaced by A.
Protein change: p.Asp217Glu; replaces aspartic acid 217 with glutamic acid.
Molecular consequence: missense variant.
Genome position (GRCh38, 1-based): chr16:69,711,150, A>T on the plus strand (T>A on the coding strand, the complement: NQO1 is on the minus strand). VCF-style: chr16-69711150-A-T. GRCh37 (hg19) VCF-style: chr16-69745053-A-T.
Other names: c.549T>A, p.Asp183Glu (NM_001025433.2); c.537T>A, p.Asp179Glu (NM_001025434.2); c.435T>A, p.Asp145Glu (NM_001286137.2); short protein forms D145E, D179E, D183E, D217E.
Identifiers: ClinVar variation 2589581 (VCV002589581.2), dbSNP rs2151741630, ClinGen allele CA396487678.